The following is an entry in ClinVar:

NM_000213.5(ITGB4):c.1666C>T (p.Arg556Cys)

Gene: ITGB4 (integrin subunit beta 4; plus strand). Cytogenetic location: 17q25.1.
Variant type: single nucleotide variant.
Coding change: c.1666C>T on transcript NM_000213.5 (MANE Select); coding-DNA position 1666, C replaced by T.
Protein change: p.Arg556Cys; replaces arginine 556 with cysteine.
Molecular consequence: missense variant.
Genome position (GRCh38, 1-based): chr17:75,736,059, C>T. VCF-style: chr17-75736059-C-T. GRCh37 (hg19) VCF-style: chr17-73732140-C-T.
Other names: c.1666C>T, p.Arg556Cys (NM_001005619.2, NM_001005731.3, NM_001321123.2); short protein forms R556C.
Identifiers: ClinVar variation 325147 (VCV000325147.14), dbSNP rs150166497, ClinGen allele CA8769097.

ClinVar aggregate classification (germline): Conflicting classifications of pathogenicity. Review status: criteria provided, conflicting classifications (1 of 4 stars). 6 submissions from 6 submitters: Uncertain significance (4); Likely benign (2). Last evaluated 2026-01-28.

Conditions:
Junctional epidermolysis bullosa with pyloric atresia. Also called: ITGB4-Related Epidermolysis Bullosa with Pyloric Atresia; ITGA6-Related Epidermolysis Bullosa with Pyloric Atresia; EPIDERMOLYSIS BULLOSA, JUNCTIONAL 5B, WITH PYLORIC ATRESIA; APLASIA CUTIS CONGENITA WITH GASTROINTESTINAL ATRESIA; CARMI SYNDROME; EB-PA-ACC. Identifiers: Orphanet 79403, MedGen C5676875, MONDO:0009183, OMIM 226730.
Epidermolysis bullosa, junctional 5A, intermediate. Also called: EPIDERMOLYSIS BULLOSA, JUNCTIONAL 5A, GENERALIZED INTERMEDIATE; EPIDERMOLYSIS BULLOSA, JUNCTIONAL 5A, NON-HERLITZ TYPE. Identifiers: MedGen C5676956, MONDO:0030768, OMIM 619816.
Inborn genetic diseases. Identifiers: MedGen C0950123, MeSH D030342.

Allele frequency attached by ClinVar (database versions not stated): ExAC 0.00024; gnomAD exomes 0.00031 and 0.00078; TOPMed 0.00034; gnomAD 0.00038; 1000 Genomes Project 30x 0.00047; 1000 Genomes Project 0.00060; ESP Exome Variant Server 0.00062.
gnomAD v4.1: 1,161 of 1,613,972 alleles (0.072%); highest among the groups gnomAD compares: Non-Finnish European, 0.096%; 3 homozygotes.

Submissions (6):

Labcorp Genetics (formerly Invitae), Labcorp
Classification: Likely benign. Last evaluated: 2026-01-28. Review status: criteria provided, single submitter. Criteria: Invitae Variant Classification Sherloc (09022015). Collection method: clinical testing. Allele origin: germline.

Fulgent Genetics
Classification: Likely benign for Junctional epidermolysis bullosa with pyloric atresia; Epidermolysis bullosa, junctional 5A, intermediate. Last evaluated: 2024-01-16. Review status: criteria provided, single submitter. Criteria: ACMG Guidelines, 2015. Collection method: clinical testing. Allele origin: germline.

Ambry Genetics
Classification: Uncertain significance for Inborn genetic diseases. Last evaluated: 2023-11-03. Review status: criteria provided, single submitter. Criteria: Ambry Variant Classification Scheme 2023. Collection method: clinical testing. Allele origin: germline.
Comment: The c.1666C>T (p.R556C) alteration is located in coding exon 13 of the ITGB4 gene. This alteration results from a C to T substitution at nucleotide position 1666, causing the arginine (R) at amino acid position 556 to be replaced by a cysteine (C). Based on data from gnomAD, the T allele has an overall frequency of 0.032% (90/282480) total alleles studied. The highest observed frequency was 0.064% (82/128992) of European (non-Finnish) alleles. This amino acid position is not well conserved in available vertebrate species. The in silico prediction for this alteration is inconclusive. Based on insufficient or conflicting evidence, the clinical significance of this alteration remains unclear.

GeneDx
Classification: Uncertain significance. Last evaluated: 2022-02-08. Review status: criteria provided, single submitter. Criteria: GeneDx Variant Classification Process June 2021. Collection method: clinical testing. Allele origin: germline. Affected: yes.
Comment: In silico analysis supports that this missense variant has a deleterious effect on protein structure/function; Has not been previously published as pathogenic or benign to our knowledge

Illumina Laboratory Services, Illumina
Classification: Uncertain significance for Junctional epidermolysis bullosa with pyloric atresia. Last evaluated: 2018-01-12. Review status: criteria provided, single submitter. Criteria: ICSL Variant Classification Criteria 13 December 2019. Collection method: clinical testing. Allele origin: germline.

Breakthrough Genomics
Classification: Uncertain significance. Review status: criteria provided, single submitter. Criteria: ACMG Guidelines, 2015. Collection method: not provided. Allele origin: germline. Inheritance: Autosomal recessive inheritance. Affected: yes.